The following is an entry in ClinVar:

ClinVar aggregate classification (germline): Conflicting classifications of pathogenicity. Review status: criteria provided, conflicting classifications (1 of 4 stars). 2 submissions from 2 submitters: Likely pathogenic (1); Uncertain significance (1). Last evaluated 2024-03-18.

Conditions:
Hereditary cancer-predisposing syndrome. Also called: Neoplastic Syndromes, Hereditary; Tumor predisposition; Hereditary Cancer Syndrome; Hereditary neoplastic syndrome. Identifiers: Orphanet 140162, MedGen C0027672, MeSH D009386, MONDO:0015356.

Submissions (2):

Ambry Genetics
Classification: Uncertain significance for Hereditary cancer-predisposing syndrome. Last evaluated: 2024-03-18. Review status: criteria provided, single submitter. Criteria: Ambry Variant Classification Scheme 2023. Collection method: clinical testing. Allele origin: germline.
Comment: The c.3639delT variant, located in coding exon 24 of the RAD50 gene, results from a deletion of one nucleotide at nucleotide position 3639, causing a translational frameshift with a predicted alternate stop codon (p.R1214Afs*39). This alteration occurs at the 3' terminus of the RAD50 gene, is not expected to trigger nonsense-mediated mRNAdecay, and only impacts the last 7.5% of the protein. The exact functional effect of this alteration is unknown. Based on the available evidence, the clinical significance of this alteration remains unclear.

Labcorp Genetics (formerly Invitae), Labcorp
Classification: Likely pathogenic for Hereditary cancer-predisposing syndrome. Last evaluated: 2021-09-29. Review status: criteria provided, single submitter. Criteria: Invitae Variant Classification Sherloc (09022015). Collection method: clinical testing. Allele origin: germline.
Comment: This variant disrupts the ATPase-C domain, which is important for RAD50 ATPase activity (PMID: 10892749, 24894818). While functional studies have not been performed to directly test the effect of this variant on RAD50 protein function, this suggests that disruption of this region of the protein is causative of disease. This sequence change creates a premature translational stop signal (p.Arg1214Alafs*39) in the RAD50 gene. While this is not anticipated to result in nonsense mediated decay, it is expected to disrupt the last 99 amino acid(s) of the RAD50 protein. This variant is not present in population databases (ExAC no frequency). This variant has not been reported in the literature in individuals affected with RAD50-related conditions. ClinVar contains an entry for this variant (Variation ID: 457462). In summary, the currently available evidence indicates that the variant is pathogenic, but additional data are needed to prove that conclusively. Therefore, this variant has been classified as Likely Pathogenic.

Literature cited by the submitters: PubMed 10892749 (cited by Labcorp Genetics (formerly Invitae), Labcorp); PubMed 24894818 (cited by Labcorp Genetics (formerly Invitae), Labcorp).

NM_005732.4(RAD50):c.3639del (p.Arg1214fs)

Genes: TH2LCRR (T helper type 2 locus control region associated RNA; minus strand), TH2-LCR (Th2 cytokine locus control region; plus strand), RAD50 (RAD50 double strand break repair protein; plus strand). Cytogenetic location: 5q31.1.
Variant type: Deletion.
Coding change: c.3639del on transcript NM_005732.4 (MANE Select); coding-DNA position 3639, one base deleted (T; older notation c.3639delT).
Protein change: p.Arg1214fs; shifts the reading frame from arginine 1214.
Molecular consequence: frameshift variant.
Genome position (GRCh38, 1-based): chr5:132,640,692, T deleted; the last of 2 consecutive T bases (chr5:132,640,691-132,640,692); deleting either gives the same sequence. VCF-style (leftmost placement, unchanged base first): chr5-132640690-AT-A. GRCh37 (hg19) VCF-style: chr5-131976382-AT-A.
Other names: c.3639del (NM_005732.3); short protein forms R1214fs.
Identifiers: ClinVar variation 457462 (VCV000457462.10), dbSNP rs1554101172, ClinGen allele CA658657540.